The following is an entry in ClinVar:

NM_003331.5(TYK2):c.2452C>T (p.Arg818Cys)

Gene: TYK2 (tyrosine kinase 2; minus strand). Cytogenetic location: 19p13.2.
Variant type: single nucleotide variant.
Coding change: c.2452C>T on transcript NM_003331.5 (MANE Select); coding-DNA position 2452, C replaced by T.
Protein change: p.Arg818Cys; replaces arginine 818 with cysteine.
Molecular consequence: missense variant.
Genome position (GRCh38, 1-based): chr19:10,357,778, G>A on the plus strand (C>T on the coding strand, the complement: TYK2 is on the minus strand). VCF-style: chr19-10357778-G-A. GRCh37 (hg19) VCF-style: chr19-10468454-G-A.
Other names: c.2452C>T (LRG_121t1); short protein forms R818C.
Identifiers: ClinVar variation 580096 (VCV000580096.7), dbSNP rs751075108, ClinGen allele CA9193076.

ClinVar aggregate classification (germline): Uncertain significance (1 of 4 stars; one submission).

Conditions:
Immunodeficiency 35 (IMD35). Also called: HIES WITH ATYPICAL MYCOBACTERIOSIS, AUTOSOMAL RECESSIVE; HYPER-IgE SYNDROME WITH ATYPICAL MYCOBACTERIOSIS, AUTOSOMAL RECESSIVE; Susceptibility to infection due to TYK2 deficiency; TYK2 DEFICIENCY. Identifiers: Orphanet 331226, MedGen C1969086, MONDO:0012682, OMIM 611521.

Allele frequency attached by ClinVar (database versions not stated): ExAC 0.00001; gnomAD exomes 0.00001 and 0.00002; gnomAD 0.00002; TOPMed 0.00003.
gnomAD v4.1: 29 of 1,611,462 alleles (0.0018%); highest among the groups gnomAD compares: Middle Eastern, 0.016%; no homozygotes.

Submission:

Labcorp Genetics (formerly Invitae), Labcorp
Classification: Uncertain significance for Immunodeficiency 35. Last evaluated: 2024-02-23. Review status: criteria provided, single submitter. Criteria: Invitae Variant Classification Sherloc (09022015). Collection method: clinical testing. Allele origin: germline.
Comment: This sequence change replaces arginine, which is basic and polar, with cysteine, which is neutral and slightly polar, at codon 818 of the TYK2 protein (p.Arg818Cys). This variant is present in population databases (rs751075108, gnomAD 0.003%). This variant has not been reported in the literature in individuals affected with TYK2-related conditions. ClinVar contains an entry for this variant (Variation ID: 580096). Advanced modeling of protein sequence and biophysical properties (such as structural, functional, and spatial information, amino acid conservation, physicochemical variation, residue mobility, and thermodynamic stability) performed at Invitae indicates that this missense variant is not expected to disrupt TYK2 protein function with a negative predictive value of 80%. In summary, the available evidence is currently insufficient to determine the role of this variant in disease. Therefore, it has been classified as a Variant of Uncertain Significance.